The following is an entry in ClinVar:

NM_001220.5(CAMK2B):c.1339+4A>C

Gene: CAMK2B (calcium/calmodulin dependent protein kinase II beta; minus strand). Cytogenetic location: 7p13.
Variant type: single nucleotide variant.
Coding change: c.1339+4A>C on transcript NM_001220.5 (MANE Select); 4 bases into the intron after coding-DNA position 1339, A replaced by C.
Molecular consequence: intron variant.
Genome position (GRCh38, 1-based): chr7:44,229,384, T>G on the plus strand (A>C on the coding strand, the complement: CAMK2B is on the minus strand). VCF-style: chr7-44229384-T-G. GRCh37 (hg19) VCF-style: chr7-44268983-T-G.
Other names: c.947-8483A>C (NM_172084.3); c.1150+1622A>C (NM_172080.3); c.1036+1622A>C (NM_172083.3); c.1108+1622A>C (NM_172081.3); c.1153+1622A>C (NM_172079.3, NM_172082.3); c.1225+1622A>C (NM_001293170.2, NM_172078.3).
Identifiers: ClinVar variation 2855297 (VCV002855297.3), dbSNP rs2485415911, ClinGen allele CA2739266417.
Genomic context (GRCh38, chr7:44,229,384, plus strand): 5'-CCCCTCTAGGGGGTTGCCAGCCCTCCAACATGACCCCCACAGCAGCAGGACCCAGGCTAC[T>G]TACATGGGGCTGGCAGGGGGCTAAAGGGAGCCGGAGATGGGCAGGGCAGGGGCCCCTCGG-3'

ClinVar aggregate classification (germline): Uncertain significance (1 of 4 stars; one submission).

Submission:

Labcorp Genetics (formerly Invitae), Labcorp
Classification: Uncertain significance. Last evaluated: 2023-05-17. Review status: criteria provided, single submitter. Criteria: Invitae Variant Classification Sherloc (09022015). Collection method: clinical testing. Allele origin: germline.
Comment: Variants that disrupt the consensus splice site are a relatively common cause of aberrant splicing (PMID: 17576681, 9536098). Algorithms developed to predict the effect of sequence changes on RNA splicing suggest that this variant may disrupt the consensus splice site. This variant has not been reported in the literature in individuals affected with CAMK2B-related conditions. In summary, the available evidence is currently insufficient to determine the role of this variant in disease. Therefore, it has been classified as a Variant of Uncertain Significance. This variant is not present in population databases (gnomAD no frequency). This sequence change falls in intron 18 of the CAMK2B gene. It does not directly change the encoded amino acid sequence of the CAMK2B protein. It affects a nucleotide within the consensus splice site.

Literature cited by the submitters: PubMed 17576681; PubMed 9536098.